The following is an entry in ClinVar:

ClinVar aggregate classification (germline): Uncertain significance. Review status: criteria provided, multiple submitters, no conflicts (2 of 4 stars). 3 submissions from 3 submitters: Uncertain significance (3). Last evaluated 2026-06-13.

Conditions:
Hereditary cancer-predisposing syndrome. Also called: Tumor predisposition; Neoplastic Syndromes, Hereditary; Hereditary neoplastic syndrome; Hereditary Cancer Syndrome. Identifiers: Orphanet 140162, MedGen C0027672, MeSH D009386, MONDO:0015356.
Neuroblastoma, susceptibility to, 3. Also called: ALK-Related Neuroblastic Tumor Susceptibility. Identifiers: Orphanet 635, MedGen C2751681, MONDO:0013083, OMIM 613014.

Submissions (3):

Ambry Genetics
Classification: Uncertain significance for Hereditary cancer-predisposing syndrome. Last evaluated: 2026-06-13. Review status: criteria provided, single submitter. Criteria: Ambry Variant Classification Scheme 2023. Collection method: clinical testing. Allele origin: germline.
Comment: The p.V1317M variant (also known as c.3949G>A), located in coding exon 27 of the ALK gene, results from a G to A substitution at nucleotide position 3949. The valine at codon 1317 is replaced by methionine, an amino acid with highly similar properties. This amino acid position is conserved. In addition, this alteration is predicted to be deleterious by in silico analysis. Based on the available evidence, the clinical significance of this variant remains unclear.

Labcorp Genetics (formerly Invitae), Labcorp
Classification: Uncertain significance for Neuroblastoma, susceptibility to, 3. Last evaluated: 2024-01-03. Review status: criteria provided, single submitter. Criteria: Invitae Variant Classification Sherloc (09022015). Collection method: clinical testing. Allele origin: germline.
Comment: This sequence change replaces valine, which is neutral and non-polar, with methionine, which is neutral and non-polar, at codon 1317 of the ALK protein (p.Val1317Met). This variant is not present in population databases (gnomAD no frequency). This variant has not been reported in the literature in individuals affected with ALK-related conditions. ClinVar contains an entry for this variant (Variation ID: 861644). An algorithm developed to predict the effect of missense changes on protein structure and function (PolyPhen-2) suggests that this variant is likely to be disruptive. In summary, the available evidence is currently insufficient to determine the role of this variant in disease. Therefore, it has been classified as a Variant of Uncertain Significance.

Baylor Genetics
Classification: Uncertain significance for Neuroblastoma, susceptibility to, 3. Last evaluated: 2023-09-08. Review status: criteria provided, single submitter. Criteria: ACMG Guidelines, 2015. Collection method: clinical testing. Allele origin: unknown.

NM_004304.5(ALK):c.3949G>A (p.Val1317Met)

Gene: ALK (ALK receptor tyrosine kinase; minus strand). Cytogenetic location: 2p23.2.
Variant type: single nucleotide variant.
Coding change: c.3949G>A on transcript NM_004304.5 (MANE Select); coding-DNA position 3949, G replaced by A.
Protein change: p.Val1317Met; replaces valine 1317 with methionine.
Molecular consequence: missense variant.
Genome position (GRCh38, 1-based): chr2:29,197,666, C>T on the plus strand (G>A on the coding strand, the complement: ALK is on the minus strand). VCF-style: chr2-29197666-C-T. GRCh37 (hg19) VCF-style: chr2-29420532-C-T.
Other names: c.745G>A, p.Val249Met (NM_001353765.2); short protein forms V249M, V1317M.
Identifiers: ClinVar variation 861644 (VCV000861644.11), dbSNP rs770242459, ClinGen allele CA346466473.